The following is an entry in ClinVar:

NM_004385.5(VCAN):c.1184T>C (p.Phe395Ser)

Gene: VCAN (versican; plus strand). Cytogenetic location: 5q14.3.
Variant type: single nucleotide variant.
Coding change: c.1184T>C on transcript NM_004385.5 (MANE Select); coding-DNA position 1184, T replaced by C.
Protein change: p.Phe395Ser; replaces phenylalanine 395 with serine.
Molecular consequence: missense variant. On other transcripts: intron variant (2).
Genome position (GRCh38, 1-based): chr5:83,519,490, T>C. VCF-style: chr5-83519490-T-C. GRCh37 (hg19) VCF-style: chr5-82815309-T-C.
Other names: c.1184T>C, p.Phe395Ser (NM_001164098.2); c.1042+7094T>C (NM_001164097.2, NM_001126336.3); short protein forms F395S.
Identifiers: ClinVar variation 936421 (VCV000936421.8), dbSNP rs769664143, ClinGen allele CA3332622.

ClinVar aggregate classification (germline): Conflicting classifications of pathogenicity. Review status: criteria provided, conflicting classifications (1 of 4 stars). 2 submissions from 2 submitters: Uncertain significance (1); Likely benign (1). Last evaluated 2025-01-13.

Allele frequency attached by ClinVar (database versions not stated): gnomAD exomes 0.00002 and 0.00004; ExAC 0.00004; gnomAD 0.00005; TOPMed 0.00005.
gnomAD v4.1: 43 of 1,613,974 alleles (0.0027%); highest among the groups gnomAD compares: Non-Finnish European, 0.0035%; no homozygotes.

Submissions (2):

Labcorp Genetics (formerly Invitae), Labcorp
Classification: Uncertain significance. Last evaluated: 2025-01-13. Review status: criteria provided, single submitter. Criteria: Invitae Variant Classification Sherloc (09022015). Collection method: clinical testing. Allele origin: germline.
Comment: This sequence change replaces phenylalanine, which is neutral and non-polar, with serine, which is neutral and polar, at codon 395 of the VCAN protein (p.Phe395Ser). This variant is present in population databases (rs769664143, gnomAD 0.005%). This variant has not been reported in the literature in individuals affected with VCAN-related conditions. ClinVar contains an entry for this variant (Variation ID: 936421). An algorithm developed to predict the effect of missense changes on protein structure and function outputs the following: PolyPhen-2: "Benign". The serine amino acid residue is found in multiple mammalian species, which suggests that this missense change does not adversely affect protein function. In summary, the available evidence is currently insufficient to determine the role of this variant in disease. Therefore, it has been classified as a Variant of Uncertain Significance.

Blueprint Genetics
Classification: Likely benign. Last evaluated: 2024-10-24. Review status: criteria provided, single submitter. Criteria: ACMG Guidelines, 2015. Collection method: clinical testing. Allele origin: germline.